The following is an entry in ClinVar:

NM_017534.6(MYH2):c.3355-4C>G

Genes: MYH2 (myosin heavy chain 2; minus strand), MYHAS (myosin heavy chain gene cluster antisense RNA; plus strand). Cytogenetic location: 17p13.1.
Variant type: single nucleotide variant.
Coding change: c.3355-4C>G on transcript NM_017534.6 (MANE Select); 4 bases into the intron before coding-DNA position 3355, C replaced by G.
Molecular consequence: intron variant.
Genome position (GRCh38, 1-based): chr17:10,529,083, G>C on the plus strand (C>G on the coding strand, the complement: MYH2 is on the minus strand). VCF-style: chr17-10529083-G-C. GRCh37 (hg19) VCF-style: chr17-10432400-G-C.
Other names: c.3355-4C>G (NM_001100112.2).
Identifiers: ClinVar variation 3044303 (VCV003044303.2), dbSNP rs1420332392, ClinGen allele CA2740095266.

ClinVar aggregate classification (germline): Likely benign (0 of 4 stars; one submission).

Conditions:
MYH2-related disorder. Also called: MYH2-related condition.

Submission:

PreventionGenetics, part of Exact Sciences
Classification: Likely benign for MYH2-related condition. Last evaluated: 2019-06-05. Review status: no assertion criteria provided. Collection method: clinical testing. Allele origin: germline.
Comment: This variant is classified as likely benign based on ACMG/AMP sequence variant interpretation guidelines (Richards et al. 2015 PMID: 25741868, with internal and published modifications).